The following is an entry in ClinVar:

ClinVar aggregate classification (germline): Uncertain significance (1 of 4 stars; one submission).

Allele frequency attached by ClinVar (database versions not stated): gnomAD exomes 0.00002; ExAC 0.00003; gnomAD 0.00003; TOPMed 0.00005.
gnomAD v4.1: 34 of 1,613,948 alleles (0.0021%); highest among the groups gnomAD compares: Admixed American, 0.013%; no homozygotes.

Submission:

Labcorp Genetics (formerly Invitae), Labcorp
Classification: Uncertain significance. Last evaluated: 2025-09-09. Review status: criteria provided, single submitter. Criteria: Invitae Variant Classification Sherloc (09022015). Collection method: clinical testing. Allele origin: germline.
Comment: This sequence change replaces alanine, which is neutral and non-polar, with threonine, which is neutral and polar, at codon 201 of the IL23R protein (p.Ala201Thr). This variant is present in population databases (rs758690026, gnomAD 0.01%). This variant has not been reported in the literature in individuals affected with IL23R-related conditions. ClinVar contains an entry for this variant (Variation ID: 1912867). An algorithm developed to predict the effect of missense changes on protein structure and function (PolyPhen-2) suggests that this variant is likely to be disruptive. In summary, the available evidence is currently insufficient to determine the role of this variant in disease. Therefore, it has been classified as a Variant of Uncertain Significance.

NM_144701.3(IL23R):c.601G>A (p.Ala201Thr)

Gene: IL23R (interleukin 23 receptor; plus strand). Cytogenetic location: 1p31.3.
Variant type: single nucleotide variant.
Coding change: c.601G>A on transcript NM_144701.3 (MANE Select); coding-DNA position 601, G replaced by A.
Protein change: p.Ala201Thr; replaces alanine 201 with threonine.
Molecular consequence: missense variant.
Genome position (GRCh38, 1-based): chr1:67,200,846, G>A. VCF-style: chr1-67200846-G-A. GRCh37 (hg19) VCF-style: chr1-67666529-G-A.
Other names: short protein forms A201T.
Identifiers: ClinVar variation 1912867 (VCV001912867.5), dbSNP rs758690026, ClinGen allele CA899762.